The following is an entry in ClinVar:

ClinVar aggregate classification (germline): Uncertain significance (1 of 4 stars; one submission).

Submission:

CeGaT Center for Human Genetics Tuebingen
Classification: Uncertain significance. Last evaluated: 2022-11-01. Review status: criteria provided, single submitter. Criteria: CeGaT Center For Human Genetics Tuebingen Variant Classification Criteria Version 2. Collection method: clinical testing. Allele origin: germline. Affected: yes. Observed: 2 variant alleles.
Comment: NKX2-1: PM1, PM2, PP3

NM_001079668.3(NKX2-1):c.682A>T (p.Ile228Phe)

Genes: SFTA3 (surfactant associated 3; minus strand), NKX2-1 (NK2 homeobox 1; minus strand). Cytogenetic location: 14q13.3.
Variant type: single nucleotide variant.
Coding change: c.682A>T on transcript NM_001079668.3 (MANE Select); coding-DNA position 682, A replaced by T.
Protein change: p.Ile228Phe; replaces isoleucine 228 with phenylalanine.
Molecular consequence: missense variant.
Genome position (GRCh38, 1-based): chr14:36,517,802, T>A on the plus strand (A>T on the coding strand, the complement: NKX2-1 is on the minus strand). VCF-style: chr14-36517802-T-A. GRCh37 (hg19) VCF-style: chr14-36987007-T-A.
Other names: c.592A>T, p.Ile198Phe (NM_003317.4); short protein forms I198F, I228F.
Identifiers: ClinVar variation 1701229 (VCV001701229.31), dbSNP rs2139407382, ClinGen allele CA389459278.